The following is an entry in ClinVar:

ClinVar aggregate classification (germline): Conflicting classifications of pathogenicity. Review status: criteria provided, conflicting classifications (1 of 4 stars). 8 submissions from 8 submitters: Uncertain significance (5); Likely benign (3). Last evaluated 2026-08-01.

Conditions:
Cardiovascular phenotype. Identifiers: MedGen CN230736.
Dilated cardiomyopathy 1HH (CMD1HH). Identifiers: Orphanet 154, MedGen C3151293, MONDO:0013479, OMIM 613881.
Myofibrillar myopathy 6. Identifiers: Orphanet 199340, MedGen C2751831, MONDO:0013061, OMIM 612954.

Allele frequency attached by ClinVar (database versions not stated): ExAC 0.00001; gnomAD 0.00001; TOPMed 0.00001.
gnomAD v4.1: 44 of 1,614,024 alleles (0.0027%); highest among the groups gnomAD compares: Non-Finnish European, 0.0035%; no homozygotes.

Submissions (8):

CeGaT Center for Human Genetics Tuebingen
Classification: Likely benign. Last evaluated: 2026-08-01. Review status: criteria provided, single submitter. Criteria: CeGaT Center For Human Genetics Tuebingen Variant Classification Criteria Version 2. Collection method: clinical testing. Allele origin: germline. Affected: yes. Observed: 1 variant allele.
Comment: BAG3: BP4

Dasa
Classification: Uncertain significance. Last evaluated: 2025-06-29. Review status: criteria provided, single submitter. Criteria: DASA Assertion Criteria. Collection method: clinical testing. Allele origin: germline.
Comment: NM_004281.4(BAG3):c.1202C>G (p.Ala401Gly) is a missense variant that results in the substitution of alanine with glycine. This variant is rare in population databases. Computational prediction algorithms are consistent with a benign effect. The currently available literature and clinical evidence are not sufficient to establish a definitive association between this variant and the reported condition. Therefore, this variant is classified as a variant of uncertain significance.

Labcorp Genetics (formerly Invitae), Labcorp
Classification: Uncertain significance for Dilated cardiomyopathy 1HH; Myofibrillar myopathy 6. Last evaluated: 2025-05-13. Review status: criteria provided, single submitter. Criteria: Invitae Variant Classification Sherloc (09022015). Collection method: clinical testing. Allele origin: germline.
Comment: This sequence change replaces alanine, which is neutral and non-polar, with glycine, which is neutral and non-polar, at codon 401 of the BAG3 protein (p.Ala401Gly). This variant is present in population databases (rs775153939, gnomAD 0.003%). This variant has not been reported in the literature in individuals affected with BAG3-related conditions. ClinVar contains an entry for this variant (Variation ID: 1426110). Invitae Evidence Modeling of protein sequence and biophysical properties (such as structural, functional, and spatial information, amino acid conservation, physicochemical variation, residue mobility, and thermodynamic stability) indicates that this missense variant is not expected to disrupt BAG3 protein function with a negative predictive value of 80%. In summary, the available evidence is currently insufficient to determine the role of this variant in disease. Therefore, it has been classified as a Variant of Uncertain Significance.

Molecular Diagnostic Laboratory for Inherited Cardiovascular Disease, Montreal Heart Institute
Classification: Likely benign. Last evaluated: 2025-04-09. Review status: criteria provided, single submitter. Criteria: ACMG Guidelines, 2015. Collection method: clinical testing. Allele origin: germline. Affected: no.
Comment: BS1; BP4

Ambry Genetics
Classification: Uncertain significance for Cardiovascular phenotype. Last evaluated: 2025-03-23. Review status: criteria provided, single submitter. Criteria: Ambry Variant Classification Scheme 2023. Collection method: clinical testing. Allele origin: germline.
Comment: The p.A401G variant (also known as c.1202C>G), located in coding exon 4 of the BAG3 gene, results from a C to G substitution at nucleotide position 1202. The alanine at codon 401 is replaced by glycine, an amino acid with similar properties. This amino acid position is conserved. In addition, this alteration is predicted to be tolerated by in silico analysis. Based on the available evidence, the clinical significance of this variant remains unclear.

Blueprint Genetics
Classification: Likely benign. Last evaluated: 2024-11-08. Review status: criteria provided, single submitter. Criteria: ACMG Guidelines, 2015. Collection method: clinical testing. Allele origin: germline.

Women's Health and Genetics/Laboratory Corporation of America, LabCorp
Classification: Uncertain significance. Last evaluated: 2022-12-09. Review status: criteria provided, single submitter. Criteria: LabCorp Variant Classification Summary - May 2015. Collection method: clinical testing. Allele origin: germline.
Comment: Variant summary: BAG3 c.1202C>G (p.Ala401Gly) results in a non-conservative amino acid change in the encoded protein sequence. Three of five in-silico tools predict a benign effect of the variant on protein function. The variant allele was found at a frequency of 1.2e-05 in 251326 control chromosomes. The available data on variant occurrences in the general population are insufficient to allow any conclusion about variant significance. To our knowledge, no occurrence of c.1202C>G in individuals affected with Myofibrillar Myopathy, BAG3-Related and no experimental evidence demonstrating its impact on protein function have been reported. One clinical diagnostic laboratory has submitted clinical-significance assessments for this variant to ClinVar after 2014 without evidence for independent evaluation. One laboratory classified the variant as uncertain significance. Based on the evidence outlined above, the variant was classified as uncertain significance.

Fulgent Genetics
Classification: Uncertain significance for Myofibrillar myopathy 6; Dilated cardiomyopathy 1HH. Last evaluated: 2021-08-27. Review status: criteria provided, single submitter. Criteria: ACMG Guidelines, 2015. Collection method: clinical testing. Allele origin: unknown.

NM_004281.4(BAG3):c.1202C>G (p.Ala401Gly)

Gene: BAG3 (BAG cochaperone 3; plus strand). Cytogenetic location: 10q26.11.
Variant type: single nucleotide variant.
Coding change: c.1202C>G on transcript NM_004281.4 (MANE Select); coding-DNA position 1202, C replaced by G.
Protein change: p.Ala401Gly; replaces alanine 401 with glycine.
Molecular consequence: missense variant.
Genome position (GRCh38, 1-based): chr10:119,676,756, C>G. VCF-style: chr10-119676756-C-G. GRCh37 (hg19) VCF-style: chr10-121436268-C-G.
Other names: c.1202C>G (NM_004281.3); short protein forms A401G.
Identifiers: ClinVar variation 1426110 (VCV001426110.14), dbSNP rs775153939, ClinGen allele CA5716508.